The following continues an entry in ClinVar:

NM_000518.5(HBB):c.316-106C>G

ClinVar aggregate classification (germline): Pathogenic. Pathogenic (1).

Submissions 6 to 27 of 27:

ARUP Laboratories, Molecular Genetics and Genomics, ARUP Laboratories
Classification: Pathogenic. Last evaluated: 2025-06-23. Review status: criteria provided, single submitter. Criteria: ARUP Molecular Germline Variant Investigation Process 2024. Collection method: clinical testing. Allele origin: germline. Not counted in ClinVar's aggregate classification.
Comment: The HBB c.316-106C>G variant (rs34690599, HbVar ID: 891), also known as IVS-II-745 C>G, is reported in the heterozygous state in individuals with beta(+) thalassemia minor and in the homozygous and compound heterozygous state in individuals with transfusion-dependent beta-thalassemia major (Orkin 1982, Ropero 2013, HbVar database). Functional characterization of the variant indicates an accumulation of beta globin transcript containing intron 2 sequences (Orkin 1982). This variant is also reported in ClinVar (Variation ID: 15457). This is an intronic variant in a weakly conserved nucleotide, but computational analyses (Alamut v.2.11) predict that this variant impacts splicing by creating a cryptic donor splice site, consistent with the observed phenotype in functional studies. Based on available information, this variant is considered to be pathogenic. References: Link to HbVar database: Orkin S et al. Linkage of beta-thalassaemia mutations and beta-globin gene polymorphisms with DNA polymorphisms in human beta-globin gene cluster. Nature. 1982; 296(5858):627-31. PMID: 6280057. Ropero P et al. Association in cis of the mutations +20 (C>T) in the 5' untranslated region and IVS-II-745 (C>G) on the beta-globin gene. Hemoglobin. 2013; 37(2):112-8. PMID: 23425204.

3billion
Classification: Likely pathogenic for HBB-related disorder. Last evaluated: 2025-03-13. Review status: criteria provided, single submitter. Criteria: ACMG Guidelines, 2015. Collection method: clinical testing. Allele origin: germline. Affected: yes. Not counted in ClinVar's aggregate classification.

GeneDx
Classification: Pathogenic. Last evaluated: 2025-01-15. Review status: criteria provided, single submitter. Criteria: GeneDx Variant Classification Process June 2021. Collection method: clinical testing. Allele origin: germline. Affected: yes. Not counted in ClinVar's aggregate classification.
Comment: No data available from control populations to assess the frequency of this variant; This variant is associated with the following publications: (PMID: 2375910, 28399358, 22975760, 19657842, 6280057, 23425204, 2200760, 25408857, 36882369, 32860008, 11559932, 2713503, 25155404, 9163586, 6188062)

Victorian Clinical Genetics Services, Murdoch Childrens Research Institute
Classification: Pathogenic for Beta-thalassemia HBB/LCRB. Last evaluated: 2024-10-09. Review status: criteria provided, single submitter. Criteria: ACMG Guidelines, 2015. Collection method: clinical testing. Allele origin: germline. Affected: no. Not counted in ClinVar's aggregate classification.
Comment: Based on the classification scheme VCGS_Germline_v1.3.4, this variant is classified as Pathogenic. Following criteria are met: 0102 - Loss of function is a known mechanism of disease in this gene and is associated with HBB-related hemoglobinopathies, including beta thalassemia (OMIM). Dominant negative is also a suggested mechanism (PMID: 29700171). (I) 0108 - This gene is associated with both recessive and dominant disease (OMIM). (I) 0115 - Variants in this gene are known to have variable expressivity. Variable severity has been reported in sickle cell patients carrying the same variants (PMID: 31788855). In addition, clinical severity of beta-thalassemia patients is also dependent on whether variants in HBB are heterozygous, homozygous or compound heterozygous, and the amount of residual protein that is expressed (PMID: 20301599). (I) 0217 - Non-coding variant with known effect. RNA studies on transfected cells have shown that this variant creates a cryptic splice site within intron 2 leading to retention of 165bps of the intronic sequence (PMID: 6188062). (SP) 0251 - This variant is heterozygous. (I) 0304 - Variant is present in gnomAD (v3) <0.01 for a recessive condition (5 heterozygotes, 0 homozygotes). (SP) 0801 - This variant has strong previous evidence of pathogenicity in unrelated individuals. This variant has been classified as pathogenic by multiple clinical laboratories in ClinVar. It is one of the most common pathogenic Mediterranean variants in this gene and has been reported as homozygous or compound heterozygous in individuals with beta-thalassemia (PMIDs: 20301599, 31903828). This variant has also been reported in individuals with sickle cell disease when in compound heterozygous with the HbS variant (PMID: 31788855). (SP) Legend: (SP) - Supporting pathogenic, (I) - Information, (SB) - Supporting benign

CeGaT Center for Human Genetics Tuebingen
Classification: Likely pathogenic. Last evaluated: 2024-08-01. Review status: criteria provided, single submitter. Criteria: CeGaT Center For Human Genetics Tuebingen Variant Classification Criteria Version 2. Collection method: clinical testing. Allele origin: germline. Affected: yes. Observed: 1 variant allele. Not counted in ClinVar's aggregate classification.
Comment: HBB: PM2, PP4:Moderate, PS4:Moderate, PP3

Fulgent Genetics
Classification: Pathogenic for Heinz body anemia; Hereditary persistence of fetal hemoglobin; Dominant beta-thalassemia; Hb SS disease; Malaria, susceptibility to; Beta-thalassemia HBB/LCRB; METHEMOGLOBINEMIA, BETA TYPE; Erythrocytosis, familial, 6. Last evaluated: 2024-05-20. Review status: criteria provided, single submitter. Criteria: ACMG Guidelines, 2015. Collection method: clinical testing. Allele origin: germline. Not counted in ClinVar's aggregate classification.

Blueprint Genetics
Classification: Pathogenic for HBB-related disorders. Last evaluated: 2024-03-07. Review status: criteria provided, single submitter. Criteria: ACMG Guidelines, 2015. Collection method: clinical testing. Allele origin: germline. Affected: yes. Observed: 5 variant alleles. Not counted in ClinVar's aggregate classification.

Laboratory of Medical Genetics, National & Kapodistrian University of Athens
Classification: Pathogenic for Beta-thalassemia HBB/LCRB. Last evaluated: 2024-02-01. Review status: criteria provided, single submitter. Criteria: ACMG Guidelines, 2015. Collection method: curation. Allele origin: germline. Affected: no. Not counted in ClinVar's aggregate classification.

Department of Pathology and Laboratory Medicine, Sinai Health System
Classification: Pathogenic for erythrocytosis, familial, 6. Last evaluated: 2023-04-22. Review status: criteria provided, single submitter. Criteria: ACMG Guidelines, 2015. Collection method: research. Allele origin: germline. Not counted in ClinVar's aggregate classification.

MGZ Medical Genetics Center
Classification: Pathogenic for Beta-thalassemia HBB/LCRB. Last evaluated: 2022-08-05. Review status: criteria provided, single submitter. Criteria: ACMG Guidelines, 2015. Collection method: clinical testing. Allele origin: germline. Affected: yes. Observed: 1 variant allele. Not counted in ClinVar's aggregate classification.
Comment: ACMG criteria applied: PS4, PM3_STR, PS3_MOD, PM2_SUP

Quest Diagnostics Nichols Institute San Juan Capistrano
Classification: Pathogenic. Last evaluated: 2021-06-08. Review status: criteria provided, single submitter. Criteria: Quest Diagnostics criteria. Collection method: clinical testing. Allele origin: unknown. Not counted in ClinVar's aggregate classification.
Comment: The variant found in at least one symptomatic individual. The variant occurs in multiple cases with a lone recessive pathogenic/likely pathogenic variant in the same gene, and several have a phenotype known to be consistent with disease. The variant has been shown to be damaging to protein function(s) relevant to disease mechanism.

Revvity Omics, Revvity
Classification: Pathogenic. Last evaluated: 2021-04-28. Review status: criteria provided, single submitter. Criteria: ACMG Guidelines, 2015. Collection method: clinical testing. Allele origin: germline. Not counted in ClinVar's aggregate classification.

Mayo Clinic Laboratories, Mayo Clinic
Classification: Pathogenic. Last evaluated: 2020-03-28. Review status: criteria provided, single submitter. Criteria: ACMG Guidelines, 2015. Collection method: clinical testing. Allele origin: germline. Observed: 1 variant allele. Not counted in ClinVar's aggregate classification.

Genetics and Molecular Pathology, SA Pathology
Classification: Pathogenic for Dominant beta-thalassemia. Last evaluated: 2020-02-21. Review status: criteria provided, single submitter. Criteria: ACMG Guidelines, 2015. Collection method: clinical testing. Allele origin: germline. Affected: yes. Not counted in ClinVar's aggregate classification.
Comment: PS3, PM2, PM3, PP4, PP5.

Myriad Genetics, Inc.
Classification: Pathogenic for Beta-thalassemia HBB/LCRB. Last evaluated: 2019-12-09. Review status: criteria provided, single submitter. Criteria: Myriad Women's Health Autosomal Recessive and X-Linked Classification Criteria (2019). Collection method: clinical testing. Allele origin: unknown. Not counted in ClinVar's aggregate classification.
Comment: NM_000518.4(HBB):c.316-106C>G(aka IVS2-745C>G) is classified as pathogenic in the context of Hb beta chain-related hemoglobinopathy; it is associated with beta thalassemia and is classified as a beta-plus variant. Sources cited for classification include the following: PMID 11559932 and 6188062. Classification of NM_000518.4(HBB):c.316-106C>G(aka IVS2-745C>G) is based on the following criteria: This is a well-established pathogenic variant in the literature that has been observed more frequently in patients with clinical diagnoses than in healthy populations. Please note: this variant was assessed in the context of healthy population screening.

Eurofins Ntd Llc (ga)
Classification: Pathogenic. Last evaluated: 2016-07-05. Review status: criteria provided, single submitter. Criteria: EGL Classification Definitions 2015. Collection method: clinical testing. Allele origin: germline. Observed: 1 variant allele, 1 heterozygote. Not counted in ClinVar's aggregate classification.

Baylor Genetics
Classification: Pathogenic for Hb SS disease. Review status: criteria provided, single submitter. Criteria: ACMG Guidelines, 2015. Collection method: clinical testing. Allele origin: germline. Not counted in ClinVar's aggregate classification.

CENTOGENE GmbH and LLC - Guiding Precision Medicine
Classification: Pathogenic for Beta-thalassemia HBB/LCRB. Review status: criteria provided, single submitter. Criteria: ACMG Guidelines, 2015. Collection method: clinical testing. Allele origin: germline. Affected: yes. Not counted in ClinVar's aggregate classification.

Kariminejad - Najmabadi Pathology & Genetics Center
Classification: Pathogenic for Hb SS disease. Review status: criteria provided, single submitter. Criteria: ACMG Guidelines, 2015. Collection method: clinical testing. Allele origin: germline. Affected: no. Not counted in ClinVar's aggregate classification.

The ITHANET community portal, The Cyprus Institute of Neurology and Genetics
Classification: Pathogenic for beta Thalassemia. Last evaluated: 2019-11-25. Review status: no assertion criteria provided. Collection method: curation. Allele origin: germline. Not counted in ClinVar's aggregate classification.

OMIM
Classification: Pathogenic for BETA-PLUS-THALASSEMIA. Last evaluated: 1982-04-15. Review status: no assertion criteria provided. Collection method: literature only. Allele origin: germline. Not counted in ClinVar's aggregate classification.

GeneReviews
No classification provided. Condition: beta Thalassemia. Review status: no classification provided. Collection method: literature only. Allele origin: germline. Not counted in ClinVar's aggregate classification.

Literature cited by the submitters: PubMed 2200760 (cited by 3 submitters); PubMed 6280057 (cited by 6 submitters); PubMed 10490138 (cited by Women's Health and Genetics/Laboratory Corporation of America, LabCorp); PubMed 27199182 (cited by Women's Health and Genetics/Laboratory Corporation of America, LabCorp); PubMed 2713503 (cited by Labcorp Genetics (formerly Invitae), Labcorp and Quest Diagnostics Nichols Institute San Juan Capistrano); PubMed 11559932 (cited by 3 submitters); PubMed 23425204 (cited by 4 submitters); PubMed 25155404 (cited by Labcorp Genetics (formerly Invitae), Labcorp and Quest Diagnostics Nichols Institute San Juan Capistrano); PubMed 6188062 (cited by 4 submitters); PubMed 21333566 (cited by Natera, Inc.); PubMed 17365006 (cited by Natera, Inc.); PubMed 20301599 (cited by Victorian Clinical Genetics Services, Murdoch Childrens Research Institute); PubMed 29700171 (cited by Victorian Clinical Genetics Services, Murdoch Childrens Research Institute); PubMed 31788855 (cited by Victorian Clinical Genetics Services, Murdoch Childrens Research Institute); PubMed 31903828 (cited by Victorian Clinical Genetics Services, Murdoch Childrens Research Institute); PubMed 22975760 (cited by Quest Diagnostics Nichols Institute San Juan Capistrano); PubMed 19657842 (cited by Quest Diagnostics Nichols Institute San Juan Capistrano); PubMed 32860008 (cited by Quest Diagnostics Nichols Institute San Juan Capistrano and CENTOGENE GmbH and LLC - Guiding Precision Medicine); PubMed 20704537 (cited by Quest Diagnostics Nichols Institute San Juan Capistrano); PubMed 20437613 (cited by Quest Diagnostics Nichols Institute San Juan Capistrano); PubMed 21119755 (cited by Quest Diagnostics Nichols Institute San Juan Capistrano); PubMed 19254853 (cited by Quest Diagnostics Nichols Institute San Juan Capistrano); PubMed 18603555 (cited by Quest Diagnostics Nichols Institute San Juan Capistrano); PubMed 17331080 (cited by Quest Diagnostics Nichols Institute San Juan Capistrano); PubMed 12764548 (cited by Quest Diagnostics Nichols Institute San Juan Capistrano); PubMed 9401495 (cited by Quest Diagnostics Nichols Institute San Juan Capistrano); PubMed 9140720 (cited by Quest Diagnostics Nichols Institute San Juan Capistrano); PubMed 9048934 (cited by Quest Diagnostics Nichols Institute San Juan Capistrano); NCBI Bookshelf NBK1426 (cited by GeneReviews).